The following is an entry in ClinVar:

ClinVar aggregate classification (germline): Uncertain significance. Review status: criteria provided, multiple submitters, no conflicts (2 of 4 stars). 2 submissions from 2 submitters: Uncertain significance (2). Last evaluated 2025-08-10.

Conditions:
RASopathy. Also called: rasopathies; Noonan spectrum disorder. Identifiers: Orphanet 536391, MedGen C5555857, MONDO:0021060.
Cardiovascular phenotype. Identifiers: MedGen CN230736.

Allele frequency attached by ClinVar (database versions not stated): gnomAD exomes below 0.00001; TOPMed below 0.00001; ExAC 0.00004.
gnomAD v4.1: 4 of 1,569,804 alleles (0.00025%); highest among the groups gnomAD compares: Non-Finnish European, 0.00035%; no homozygotes.

Submissions (2):

Labcorp Genetics (formerly Invitae), Labcorp
Classification: Uncertain significance for RASopathy. Last evaluated: 2025-08-10. Review status: criteria provided, single submitter. Criteria: Invitae Variant Classification Sherloc (09022015). Collection method: clinical testing. Allele origin: germline.
Comment: This sequence change replaces alanine, which is neutral and non-polar, with proline, which is neutral and non-polar, at codon 355 of the MAP2K2 protein (p.Ala355Pro). This variant is present in population databases (rs776743002, gnomAD 0.001%). This variant has not been reported in the literature in individuals affected with MAP2K2-related conditions. ClinVar contains an entry for this variant (Variation ID: 2585789). Invitae Evidence Modeling of protein sequence and biophysical properties (such as structural, functional, and spatial information, amino acid conservation, physicochemical variation, residue mobility, and thermodynamic stability) indicates that this missense variant is not expected to disrupt MAP2K2 protein function with a negative predictive value of 95%. In summary, the available evidence is currently insufficient to determine the role of this variant in disease. Therefore, it has been classified as a Variant of Uncertain Significance.

Ambry Genetics
Classification: Uncertain significance for Cardiovascular phenotype. Last evaluated: 2023-07-21. Review status: criteria provided, single submitter. Criteria: Ambry Variant Classification Scheme 2023. Collection method: clinical testing. Allele origin: germline.
Comment: The p.A355P variant (also known as c.1063G>C), located in coding exon 10 of the MAP2K2 gene, results from a G to C substitution at nucleotide position 1063. The alanine at codon 355 is replaced by proline, an amino acid with highly similar properties. This amino acid position is conserved. In addition, this alteration is predicted to be tolerated by in silico analysis. Since supporting evidence is limited at this time, the clinical significance of this alteration remains unclear.

NM_030662.4(MAP2K2):c.1063G>C (p.Ala355Pro)

Gene: MAP2K2 (mitogen-activated protein kinase kinase 2; minus strand). Cytogenetic location: 19p13.3.
Variant type: single nucleotide variant.
Coding change: c.1063G>C on transcript NM_030662.4 (MANE Select); coding-DNA position 1063, G replaced by C.
Protein change: p.Ala355Pro; replaces alanine 355 with proline.
Molecular consequence: missense variant.
Genome position (GRCh38, 1-based): chr19:4,094,482, C>G on the plus strand (G>C on the coding strand, the complement: MAP2K2 is on the minus strand). VCF-style: chr19-4094482-C-G. GRCh37 (hg19) VCF-style: chr19-4094480-C-G.
Other names: short protein forms A355P.
Identifiers: ClinVar variation 2585789 (VCV002585789.3), dbSNP rs776743002, ClinGen allele CA9090709.